The following is an entry in ClinVar:

NM_021072.4(HCN1):c.240C>A (p.Gly80=)

Gene: HCN1 (hyperpolarization activated cyclic nucleotide gated potassium channel 1; minus strand). Cytogenetic location: 5p12.
Variant type: single nucleotide variant.
Coding change: c.240C>A on transcript NM_021072.4 (MANE Select); coding-DNA position 240, C replaced by A.
Protein change: p.Gly80=; no amino-acid change (glycine 80 retained).
Molecular consequence: synonymous variant.
Genome position (GRCh38, 1-based): chr5:45,695,854, G>T on the plus strand (C>A on the coding strand, the complement: HCN1 is on the minus strand). VCF-style: chr5-45695854-G-T. GRCh37 (hg19) VCF-style: chr5-45695956-G-T.
Identifiers: ClinVar variation 593590 (VCV000593590.46), dbSNP rs373664268, ClinGen allele CA3259490.
Genomic context (GRCh38, chr5:45,695,854, plus strand): 5'-GGAGGTGAACTGCCTCTGCATGAAGCCGTACTGCCGCCGGGGCCCCTCGGCGTCTTCGAA[G>T]CCCCCCGCCGGCTCCTCGCCGCCGCCGCCGCCGCCGCCACCGCCGCCACCGCCGTCCACC-3'
Protein context (NP_066550.2, residues 70-90): GGGGGEEPAG[Gly80=]FEDAEGPRRQ

ClinVar aggregate classification (germline): Conflicting classifications of pathogenicity. Review status: criteria provided, conflicting classifications (1 of 4 stars). 8 submissions from 8 submitters: Uncertain significance (1); Benign (1); Likely benign (4). 2 of the submissions do not count toward it. Last evaluated 2025-11-24.

Conditions:
Early-infantile DEE. Also called: Early infantile epileptic encephalopathy; Ohtahara syndrome; Early infantile epileptic encephalopathy with suppression bursts. Identifiers: Orphanet 1934, MedGen C0393706, MONDO:0800491.
Inborn genetic diseases. Identifiers: MedGen C0950123, MeSH D030342.

Allele frequency attached by ClinVar (database versions not stated): ESP Exome Variant Server 0.00008; ExAC 0.00011; gnomAD exomes 0.00012 and 0.00014; gnomAD 0.00028 and 0.00032; 1000 Genomes Project 30x 0.00031; TOPMed 0.00042.
gnomAD v4.1: 257 of 1,590,916 alleles (0.016%); highest among the groups gnomAD compares: African/African-American, 0.082%; no homozygotes.

Submissions (8):

Labcorp Genetics (formerly Invitae), Labcorp
Classification: Likely benign for Early-infantile DEE. Last evaluated: 2025-11-24. Review status: criteria provided, single submitter. Criteria: Invitae Variant Classification Sherloc (09022015). Collection method: clinical testing. Allele origin: germline.

Blueprint Genetics
Classification: Likely benign. Last evaluated: 2024-11-01. Review status: criteria provided, single submitter. Criteria: ACMG Guidelines, 2015. Collection method: clinical testing. Allele origin: germline.

CeGaT Center for Human Genetics Tuebingen
Classification: Likely benign. Last evaluated: 2023-09-01. Review status: criteria provided, single submitter. Criteria: CeGaT Center For Human Genetics Tuebingen Variant Classification Criteria Version 2. Collection method: clinical testing. Allele origin: germline. Affected: yes. Observed: 1 variant allele.
Comment: HCN1: BP4, BP7

GeneDx
Classification: Benign. Last evaluated: 2021-05-21. Review status: criteria provided, single submitter. Criteria: GeneDx Variant Classification Process June 2021. Collection method: clinical testing. Allele origin: germline. Affected: yes.

Ambry Genetics
Classification: Likely benign for Inborn genetic diseases. Last evaluated: 2018-05-02. Review status: criteria provided, single submitter. Criteria: Ambry Variant Classification Scheme 2023. Collection method: clinical testing. Allele origin: germline.

Eurofins Ntd Llc (ga)
Classification: Uncertain significance. Last evaluated: 2017-08-09. Review status: criteria provided, single submitter. Criteria: EGL Classification Definitions 2015. Collection method: clinical testing. Allele origin: germline. Observed: 1 variant allele, 1 heterozygote.

Clinical Genetics DNA and cytogenetics Diagnostics Lab, Erasmus MC, Erasmus Medical Center
Classification: Likely benign. Review status: no assertion criteria provided. Collection method: clinical testing. Allele origin: germline. Affected: yes. Study: VKGL Data-share Consensus. Not counted in ClinVar's aggregate classification.

Genome Diagnostics Laboratory, University Medical Center Utrecht
Classification: Likely benign. Review status: no assertion criteria provided. Collection method: clinical testing. Allele origin: germline. Affected: yes. Study: VKGL Data-share Consensus. Not counted in ClinVar's aggregate classification.